The following is an entry in ClinVar:

ClinVar aggregate classification (germline): Uncertain significance (1 of 4 stars; one submission).

gnomAD v4.1: 2 of 1,614,162 alleles (0.00012%); highest among the groups gnomAD compares: South Asian, 0.0011%; no homozygotes.

Submission:

Ambry Genetics
Classification: Uncertain significance. Last evaluated: 2026-05-08. Review status: criteria provided, single submitter. Criteria: Ambry Variant Classification Scheme 2023. Collection method: clinical testing. Allele origin: germline.
Comment: The p.K49E variant (also known as c.145A>G), located in coding exon 3 of the RPS20 gene, results from an A to G substitution at nucleotide position 145. The lysine at codon 49 is replaced by glutamic acid, an amino acid with similar properties. This amino acid position is highly conserved in available vertebrate species. In addition, the in silico prediction for this alteration is inconclusive. Based on the available evidence, the clinical significance of this variant remains unclear.

NM_001023.4(RPS20):c.145A>G (p.Lys49Glu)

Gene: RPS20 (ribosomal protein S20; minus strand). Cytogenetic location: 8q12.1.
Variant type: single nucleotide variant.
Coding change: c.145A>G on transcript NM_001023.4 (MANE Select); coding-DNA position 145, A replaced by G.
Protein change: p.Lys49Glu; replaces lysine 49 with glutamic acid.
Molecular consequence: missense variant.
Genome position (GRCh38, 1-based): chr8:56,073,727, T>C on the plus strand (A>G on the coding strand, the complement: RPS20 is on the minus strand). VCF-style: chr8-56073727-T-C. GRCh37 (hg19) VCF-style: chr8-56986286-T-C.
Other names: c.145A>G, p.Lys49Glu (NM_001146227.3); short protein forms K49E.
Identifiers: ClinVar variation 4863492 (VCV004863492.1).